The following is an entry in ClinVar:

NM_001286577.2(C2CD3):c.1390T>C (p.Phe464Leu)

Gene: C2CD3 (C2 domain containing 3 centriole elongation regulator; minus strand). Cytogenetic location: 11q13.4.
Variant type: single nucleotide variant.
Coding change: c.1390T>C on transcript NM_001286577.2 (MANE Select); coding-DNA position 1390, T replaced by C.
Protein change: p.Phe464Leu; replaces phenylalanine 464 with leucine.
Molecular consequence: missense variant.
Genome position (GRCh38, 1-based): chr11:74,118,358, A>G on the plus strand (T>C on the coding strand, the complement: C2CD3 is on the minus strand). VCF-style: chr11-74118358-A-G. GRCh37 (hg19) VCF-style: chr11-73829403-A-G.
Other names: c.1390T>C, p.Phe464Leu (NM_015531.6); short protein forms F464L.
Identifiers: ClinVar variation 2007084 (VCV002007084.4), dbSNP rs2496516158, ClinGen allele CA381838652.

ClinVar aggregate classification (germline): Uncertain significance (1 of 4 stars; one submission).

Submission:

Labcorp Genetics (formerly Invitae), Labcorp
Classification: Uncertain significance. Last evaluated: 2023-04-24. Review status: criteria provided, single submitter. Criteria: Invitae Variant Classification Sherloc (09022015). Collection method: clinical testing. Allele origin: germline.
Comment: This sequence change replaces phenylalanine, which is neutral and non-polar, with leucine, which is neutral and non-polar, at codon 464 of the C2CD3 protein (p.Phe464Leu). In summary, the available evidence is currently insufficient to determine the role of this variant in disease. Therefore, it has been classified as a Variant of Uncertain Significance. Advanced modeling of protein sequence and biophysical properties (such as structural, functional, and spatial information, amino acid conservation, physicochemical variation, residue mobility, and thermodynamic stability) performed at Invitae indicates that this missense variant is not expected to disrupt C2CD3 protein function. ClinVar contains an entry for this variant (Variation ID: 2007084). This variant has not been reported in the literature in individuals affected with C2CD3-related conditions. This variant is not present in population databases (gnomAD no frequency).